The following is an entry in ClinVar:

ClinVar aggregate classification (germline): Uncertain significance (1 of 4 stars; one submission).

Conditions:
Immunodeficiency 104. Also called: Severe combined immunodeficiency, autosomal recessive, T cell-negative, B cell-positive, NK cell-positive; IMMUNODEFICIENCY 104, SEVERE COMBINED; SCID, AUTOSOMAL RECESSIVE, T CELL-NEGATIVE, B CELL-POSITIVE, NK CELL-POSITIVE; Severe Combined Immune Deficiency, Autosomal Recessive, TCell -Negative, B Cell-Positive, NK Cell-Positive, IL7R-Related. Identifiers: MedGen C5676890, MONDO:0012163, OMIM 608971.

Allele frequency attached by ClinVar (database versions not stated): TOPMed 0.00002.
gnomAD v4.1: 5 of 1,609,110 alleles (0.00031%); highest among the groups gnomAD compares: Middle Eastern, 0.033%; no homozygotes.

Submission:

Labcorp Genetics (formerly Invitae), Labcorp
Classification: Uncertain significance for Immunodeficiency 104. Last evaluated: 2024-11-04. Review status: criteria provided, single submitter. Criteria: Invitae Variant Classification Sherloc (09022015). Collection method: clinical testing. Allele origin: germline.
Comment: This sequence change replaces methionine, which is neutral and non-polar, with leucine, which is neutral and non-polar, at codon 628 of the PTPRC protein (p.Met628Leu). This variant is present in population databases (rs760788576, gnomAD 0.0009%). This variant has not been reported in the literature in individuals affected with PTPRC-related conditions. ClinVar contains an entry for this variant (Variation ID: 1358106). An algorithm developed to predict the effect of missense changes on protein structure and function (PolyPhen-2) suggests that this variant is likely to be tolerated. In summary, the available evidence is currently insufficient to determine the role of this variant in disease. Therefore, it has been classified as a Variant of Uncertain Significance.

NM_002838.5(PTPRC):c.1882A>C (p.Met628Leu)

Gene: PTPRC (protein tyrosine phosphatase receptor type C; plus strand). Cytogenetic location: 1q32.1.
Variant type: single nucleotide variant.
Coding change: c.1882A>C on transcript NM_002838.5 (MANE Select); coding-DNA position 1882, A replaced by C.
Protein change: p.Met628Leu; replaces methionine 628 with leucine.
Molecular consequence: missense variant.
Genome position (GRCh38, 1-based): chr1:198,731,634, A>C. VCF-style: chr1-198731634-A-C. GRCh37 (hg19) VCF-style: chr1-198700763-A-C.
Other names: c.1399A>C, p.Met467Leu (NM_080921.4); short protein forms M467L, M628L.
Identifiers: ClinVar variation 1358106 (VCV001358106.5), dbSNP rs760788576, ClinGen allele CA1314937.